The following is an entry in ClinVar:

ClinVar aggregate classification (germline): Uncertain significance (1 of 4 stars; one submission).

gnomAD v4.1: 1 of 1,613,754 alleles (0.000062%); highest among the groups gnomAD compares: Non-Finnish European, 0.000085%; no homozygotes.

Submission:

Ambry Genetics
Classification: Uncertain significance. Last evaluated: 2025-07-19. Review status: criteria provided, single submitter. Criteria: Ambry Variant Classification Scheme 2023. Collection method: clinical testing. Allele origin: germline.
Comment: The p.M642R variant (also known as c.1925T>G), located in coding exon 13 of the RINT1 gene, results from a T to G substitution at nucleotide position 1925. The methionine at codon 642 is replaced by arginine, an amino acid with similar properties. This amino acid position is conserved. In addition, the in silico prediction for this alteration is inconclusive. Based on the available evidence, the clinical significance of this variant remains unclear.

NM_021930.6(RINT1):c.1925T>G (p.Met642Arg)

Genes: EFCAB10 (EF-hand calcium binding domain 10; minus strand), RINT1 (RAD50 interactor 1; plus strand). Cytogenetic location: 7q22.3.
Variant type: single nucleotide variant.
Coding change: c.1925T>G on transcript NM_021930.6 (MANE Select); coding-DNA position 1925, T replaced by G.
Protein change: p.Met642Arg; replaces methionine 642 with arginine.
Molecular consequence: missense variant. On other transcripts: 3 prime UTR variant (3), non-coding transcript variant (1).
Genome position (GRCh38, 1-based): chr7:105,565,315, T>G. VCF-style: chr7-105565315-T-G. GRCh37 (hg19) VCF-style: chr7-105205762-T-G.
Other names: c.*132A>C (NM_001355526.2); c.*234A>C (NM_001355530.2); c.*87A>C (NM_001355531.2); c.1691T>G, p.Met564Arg (NM_001346599.2); c.902T>G, p.Met301Arg (NM_001346600.2, NM_001346603.2); c.1001T>G, p.Met334Arg (NM_001346601.2); short protein forms M301R, M334R, M642R, M564R.
Identifiers: ClinVar variation 4154608 (VCV004154608.1).
Genomic context (GRCh38, chr7:105,565,315, plus strand): 5'-GGTAAAAATGTGTTTTTTCCAGATGGTTGTCCTTGCCATCTCAGTCAGAGCAGGCAGTGA[T>G]GTCCCTGTCCAGTTCGGCTTGCCCGTTGCTGCTGACGTTACGAGACCATTTACTTCAGTT-3'
Protein context (NP_068749.3, residues 632-652): SLPSQSEQAV[Met642Arg]SLSSSACPLL